The following is an entry in ClinVar:

ClinVar aggregate classification (germline): Uncertain significance. Review status: criteria provided, multiple submitters, no conflicts (2 of 4 stars). 2 submissions from 2 submitters: Uncertain significance (2). Last evaluated 2025-03-28.

Conditions:
Larsen-like syndrome, B3GAT3 type. Also called: MULTIPLE JOINT DISLOCATIONS, SHORT STATURE, AND CRANIOFACIAL DYSMORPHISM WITH OR WITHOUT CONGENITAL HEART DEFECTS; Multiple joint dislocations, short stature, craniofacial dysmorphism, with or without congenital heart defects. Identifiers: Orphanet 284139, MedGen CN034159, MONDO:0009511, OMIM 245600.

Allele frequency attached by ClinVar (database versions not stated): TOPMed below 0.00001; ExAC 0.00001; gnomAD exomes 0.00002.

Submissions (2):

Mayo Clinic Laboratories, Mayo Clinic
Classification: Uncertain significance. Last evaluated: 2025-03-28. Review status: criteria provided, single submitter. Criteria: ACMG Guidelines, 2015. Collection method: clinical testing. Allele origin: germline. Observed: 1 variant allele.
Comment: BP4_moderate, PM2_supporting

Labcorp Genetics (formerly Invitae), Labcorp
Classification: Uncertain significance for Larsen-like syndrome, B3GAT3 type. Last evaluated: 2023-08-11. Review status: criteria provided, single submitter. Criteria: Invitae Variant Classification Sherloc (09022015). Collection method: clinical testing. Allele origin: germline.
Comment: This sequence change replaces lysine, which is basic and polar, with arginine, which is basic and polar, at codon 4 of the B3GAT3 protein (p.Lys4Arg). This variant is present in population databases (rs748248563, gnomAD 0.002%). This variant has not been reported in the literature in individuals affected with B3GAT3-related conditions. An algorithm developed to predict the effect of missense changes on protein structure and function (PolyPhen-2) suggests that this variant is likely to be tolerated. In summary, the available evidence is currently insufficient to determine the role of this variant in disease. Therefore, it has been classified as a Variant of Uncertain Significance.

NM_012200.4(B3GAT3):c.11A>G (p.Lys4Arg)

Gene: B3GAT3 (beta-1,3-glucuronyltransferase 3; minus strand). Cytogenetic location: 11q12.3.
Variant type: single nucleotide variant.
Coding change: c.11A>G on transcript NM_012200.4 (MANE Select); coding-DNA position 11, A replaced by G.
Protein change: p.Lys4Arg; replaces lysine 4 with arginine.
Molecular consequence: missense variant. On other transcripts: 5 prime UTR variant (1), non-coding transcript variant (1).
Genome position (GRCh38, 1-based): chr11:62,621,937, T>C on the plus strand (A>G on the coding strand, the complement: B3GAT3 is on the minus strand). VCF-style: chr11-62621937-T-C. GRCh37 (hg19) VCF-style: chr11-62389409-T-C.
Other names: p.Lys4Arg; c.-250A>G (NM_001288721.2); c.11A>G, p.Lys4Arg (NM_001288722.2, NM_001288723.2); short protein forms K4R.
Identifiers: ClinVar variation 2978977 (VCV002978977.4), dbSNP rs748248563, ClinGen allele CA6050273.